The following is an entry in ClinVar:

ClinVar aggregate classification (germline): Likely pathogenic (1 of 4 stars; one submission).

Conditions:
Hereditary cancer-predisposing syndrome. Also called: Tumor predisposition; Hereditary Cancer Syndrome; Hereditary neoplastic syndrome; Neoplastic Syndromes, Hereditary. Identifiers: Orphanet 140162, MedGen C0027672, MeSH D009386, MONDO:0015356.

gnomAD v4.1: 1 of 1,612,502 alleles (0.000062%); highest among the groups gnomAD compares: East Asian, 0.0022%; no homozygotes.

Submission:

Ambry Genetics
Classification: Likely pathogenic for Hereditary cancer-predisposing syndrome. Last evaluated: 2024-06-20. Review status: criteria provided, single submitter. Criteria: Ambry Variant Classification Scheme 2023. Collection method: clinical testing. Allele origin: germline.
Comment: The p.E1193V variant (also known as c.3578A>T), located in coding exon 7 of the MSH6 gene, results from an A to T substitution at nucleotide position 3578. The glutamic acid at codon 1193 is replaced by valine, an amino acid with dissimilar properties. Another variant at the same codon, p.E1193K (c.3577G>A), has been described in individuals whose tumors showed high microsatellite instability (MSI-H) with loss of MSH6 staining on immunohistochemistry (IHC) (Kariola R et al. Br. J. Cancer, 2004 Oct;91:1287-92; Belvederesi L et al. Fam. Cancer. 2012 Dec;11:675-80) and demonstrated MMR deficiency in functional assays (Kariola R et al. Br. J. Cancer. 2004 Oct;91:1287-92; Hampel H et al. Cancer Res. 2006 Aug;66:7810-7; Houlleberghs H et al. PLoS Genet., 2017 May;13:e1006765). This amino acid position is highly conserved in available vertebrate species. In addition, this alteration is predicted to be deleterious by in silico analysis. Based on the majority of available evidence to date, this variant is likely to be pathogenic.

NM_000179.3(MSH6):c.3578A>T (p.Glu1193Val)

Gene: MSH6 (mutS homolog 6; plus strand). Cytogenetic location: 2p16.3.
Variant type: single nucleotide variant.
Coding change: c.3578A>T on transcript NM_000179.3 (MANE Select); coding-DNA position 3578, A replaced by T.
Protein change: p.Glu1193Val; replaces glutamic acid 1193 with valine.
Molecular consequence: missense variant. On other transcripts: non-coding transcript variant (5).
Genome position (GRCh38, 1-based): chr2:47,805,639, A>T. VCF-style: chr2-47805639-A-T. GRCh37 (hg19) VCF-style: chr2-48032778-A-T.
Other names: c.3188A>T, p.Glu1063Val (NM_001281492.2); c.2672A>T, p.Glu891Val (NM_001281493.2, NM_001281494.2, NM_001406811.1 and 6 more transcripts); c.3674A>T, p.Glu1225Val (NM_001406795.1, NM_001406802.1); c.3578A>T, p.Glu1193Val (NM_001406796.1, NM_001406800.1, NM_001406808.1 and 1 more transcripts); c.3281A>T, p.Glu1094Val (NM_001406797.1, NM_001406801.1, NM_001406805.1 and 10 more transcripts); c.3404A>T, p.Glu1135Val (NM_001406798.1); c.3053A>T, p.Glu1018Val (NM_001406799.1, NM_001406806.1, NM_001406807.1); c.2714A>T, p.Glu905Val (NM_001406803.1); and 7 more; short protein forms E1018V, E1094V, E1193V, E142V, E508V, E1063V, E1167V, E1225V.
Identifiers: ClinVar variation 3296347 (VCV003296347.1).